The following is an entry in ClinVar:

NM_005529.7(HSPG2):c.9030_9031delinsTT (p.Pro3011Ser)

Gene: HSPG2 (heparan sulfate proteoglycan 2; minus strand). Cytogenetic location: 1p36.12.
Variant type: Indel.
Coding change: c.9030_9031delinsTT on transcript NM_005529.7 (MANE Select); coding-DNA positions 9030 to 9031, GC replaced by TT.
Protein change: p.Pro3011Ser; replaces proline 3011 with serine.
Molecular consequence: missense variant.
Genome position (GRCh38, 1-based): chr1:21,842,260-21,842,261, GC replaced by AA on the plus strand (GC replaced by TT on the coding strand, the reverse complement: HSPG2 is on the minus strand). VCF-style: chr1-21842260-GC-AA. GRCh37 (hg19) VCF-style: chr1-22168753-GC-AA.
Other names: c.9033_9034delinsTT, p.Pro3012Ser (NM_001291860.2); short protein forms P3011S, P3012S.
Identifiers: ClinVar variation 1488444 (VCV001488444.6), dbSNP rs2152706395, ClinGen allele CA2573132173.
Genomic context (GRCh38, chr1:21,842,260, plus strand): 5'-CTCCCTTCCCCCCTTGCCCATGGCATCTGCCATACTCACGGTAGGAAGACCCCTCACTGG[GC>AA]GGGACGGTGACTGTGAAGGAGGCTTCTTGCTCAGGGCCTGGGCCGCTGGCTGCACGACAC-3'
Protein context (NP_005520.4, residues 3001-3021): QEASFTVTVP[Pro3011Ser]SEGSSYRLRS

ClinVar aggregate classification (germline): Uncertain significance (1 of 4 stars; one submission).

Submission:

Labcorp Genetics (formerly Invitae), Labcorp
Classification: Uncertain significance. Last evaluated: 2021-05-03. Review status: criteria provided, single submitter. Criteria: Invitae Variant Classification Sherloc (09022015). Collection method: clinical testing. Allele origin: germline.
Comment: The frequency data for this variant in the population databases is not available, as this variant may be reported as separate entries in the ExAC database. This sequence change replaces proline with serine at codon 3011 of the HSPG2 protein (p.Pro3011Ser). The proline residue is weakly conserved and there is a moderate physicochemical difference between proline and serine. This variant has not been reported in the literature in individuals with HSPG2-related conditions. Experimental studies and prediction algorithms are not available or were not evaluated, and the functional significance of this variant is currently unknown. In summary, the available evidence is currently insufficient to determine the role of this variant in disease. Therefore, it has been classified as a Variant of Uncertain Significance.